The following is an entry in ClinVar:

NM_004336.5(BUB1):c.2621T>C (p.Leu874Ser)

Gene: BUB1 (BUB1 mitotic checkpoint serine/threonine kinase; minus strand). Cytogenetic location: 2q13.
Variant type: single nucleotide variant.
Coding change: c.2621T>C on transcript NM_004336.5 (MANE Select); coding-DNA position 2621, T replaced by C.
Protein change: p.Leu874Ser; replaces leucine 874 with serine.
Molecular consequence: missense variant.
Genome position (GRCh38, 1-based): chr2:110,641,646, A>G on the plus strand (T>C on the coding strand, the complement: BUB1 is on the minus strand). VCF-style: chr2-110641646-A-G. GRCh37 (hg19) VCF-style: chr2-111399223-A-G.
Other names: c.2561T>C, p.Leu854Ser (NM_001278616.2); c.2621T>C, p.Leu874Ser (NM_001278617.2); short protein forms L854S, L874S.
Identifiers: ClinVar variation 3262176 (VCV003262176.1).

ClinVar aggregate classification (germline): Uncertain significance (1 of 4 stars; one submission).

Submission:

Ambry Genetics
Classification: Uncertain significance. Last evaluated: 2024-06-15. Review status: criteria provided, single submitter. Criteria: Ambry Variant Classification Scheme 2023. Collection method: clinical testing. Allele origin: germline.
Comment: The p.L874S variant (also known as c.2621T>C), located in coding exon 21 of the BUB1 gene, results from a T to C substitution at nucleotide position 2621. The leucine at codon 874 is replaced by serine, an amino acid with dissimilar properties. This amino acid position is conserved. In addition, this alteration is predicted to be deleterious by in silico analysis. Based on the available evidence, the clinical significance of this variant remains unclear.